The following is an entry in ClinVar:

ClinVar aggregate classification (germline): Uncertain significance (1 of 4 stars; one submission).

Conditions:
Hereditary cancer-predisposing syndrome. Also called: Hereditary neoplastic syndrome; Tumor predisposition; Hereditary Cancer Syndrome; Neoplastic Syndromes, Hereditary. Identifiers: Orphanet 140162, MedGen C0027672, MeSH D009386, MONDO:0015356.

Submission:

Ambry Genetics
Classification: Uncertain significance for Hereditary cancer-predisposing syndrome. Last evaluated: 2023-07-29. Review status: criteria provided, single submitter. Criteria: Ambry Variant Classification Scheme 2023. Collection method: clinical testing. Allele origin: germline.
Comment: The p.K473N variant (also known as c.1419A>T), located in coding exon 7 of the ALK gene, results from an A to T substitution at nucleotide position 1419. The lysine at codon 473 is replaced by asparagine, an amino acid with similar properties. This amino acid position is conserved. In addition, this alteration is predicted to be tolerated by in silico analysis. Since supporting evidence is limited at this time, the clinical significance of this alteration remains unclear.

NM_004304.5(ALK):c.1419A>T (p.Lys473Asn)

Gene: ALK (ALK receptor tyrosine kinase; minus strand). Cytogenetic location: 2p23.2.
Variant type: single nucleotide variant.
Coding change: c.1419A>T on transcript NM_004304.5 (MANE Select); coding-DNA position 1419, A replaced by T.
Protein change: p.Lys473Asn; replaces lysine 473 with asparagine.
Molecular consequence: missense variant.
Genome position (GRCh38, 1-based): chr2:29,320,878, T>A on the plus strand (A>T on the coding strand, the complement: ALK is on the minus strand). VCF-style: chr2-29320878-T-A. GRCh37 (hg19) VCF-style: chr2-29543744-T-A.
Other names: short protein forms K473N.
Identifiers: ClinVar variation 2586692 (VCV002586692.2), dbSNP rs1268853000, ClinGen allele CA346472729.